The following is an entry in ClinVar:

ClinVar aggregate classification (germline): Uncertain significance (1 of 4 stars; one submission).

Submission:

CeGaT Center for Human Genetics Tuebingen
Classification: Uncertain significance. Last evaluated: 2026-02-01. Review status: criteria provided, single submitter. Criteria: CeGaT Center For Human Genetics Tuebingen Variant Classification Criteria Version 2. Collection method: clinical testing. Allele origin: germline. Affected: yes. Observed: 1 variant allele.
Comment: ARFGEF1: PM2, BP4

NM_006421.5(ARFGEF1):c.838A>T (p.Thr280Ser)

Gene: ARFGEF1 (ARF guanine nucleotide exchange factor 1; minus strand). Cytogenetic location: 8q13.2.
Variant type: single nucleotide variant.
Coding change: c.838A>T on transcript NM_006421.5 (MANE Select); coding-DNA position 838, A replaced by T.
Protein change: p.Thr280Ser; replaces threonine 280 with serine.
Molecular consequence: missense variant. On other transcripts: 5 prime UTR variant (1), non-coding transcript variant (1).
Genome position (GRCh38, 1-based): chr8:67,291,925, T>A on the plus strand (A>T on the coding strand, the complement: ARFGEF1 is on the minus strand). VCF-style: chr8-67291925-T-A. GRCh37 (hg19) VCF-style: chr8-68204160-T-A.
Other names: c.838A>T, p.Thr280Ser (NM_001413184.1, NM_001413185.1, NM_001413186.1 and 7 more transcripts); c.238A>T, p.Thr80Ser (NM_001413188.1, NM_001413193.1, NM_001413197.1); c.-278A>T (NM_001413196.1); short protein forms T280S, T80S.
Identifiers: ClinVar variation 4822871 (VCV004822871.4).